The following is an entry in ClinVar:

NM_177438.3(DICER1):c.1718A>G (p.Glu573Gly)

Gene: DICER1 (dicer 1, ribonuclease III; minus strand). Cytogenetic location: 14q32.13.
Variant type: single nucleotide variant.
Coding change: c.1718A>G on transcript NM_177438.3 (MANE Select); coding-DNA position 1718, A replaced by G.
Protein change: p.Glu573Gly; replaces glutamic acid 573 with glycine.
Molecular consequence: missense variant. On other transcripts: non-coding transcript variant (6).
Genome position (GRCh38, 1-based): chr14:95,116,487, T>C on the plus strand (A>G on the coding strand, the complement: DICER1 is on the minus strand). VCF-style: chr14-95116487-T-C. GRCh37 (hg19) VCF-style: chr14-95582824-T-C.
Other names: c.1718A>G, p.Glu573Gly (NM_001395677.1, NM_001395678.1, NM_001395679.1 and 13 more transcripts); c.1436A>G, p.Glu479Gly (NM_001395686.1); c.1313A>G, p.Glu438Gly (NM_001395687.1, NM_001395688.1, NM_001395689.1 and 3 more transcripts); c.1151A>G, p.Glu384Gly (NM_001395691.1); c.35A>G, p.Glu12Gly (NM_001395697.1); short protein forms E384G, E479G, E573G, E438G, E12G.
Identifiers: ClinVar variation 2743414 (VCV002743414.3), dbSNP rs2543028386, ClinGen allele CA390884719.
Genomic context (GRCh38, chr14:95,116,487, plus strand): 5'-GGCACATGTTAATATGTTGATCTTACCTTTTCAATAGCTTTGTAGGTTTTAAGGTCTTCT[T>C]CAAAACTTTTTATTTTGTCTGTATCCGCTAACATTATATAATTAGAGATGGGTGCCCTTG-3'
Protein context (NP_803187.1, residues 563-583): LADTDKIKSF[Glu573Gly]EDLKTYKAIE

ClinVar aggregate classification (germline): Uncertain significance (1 of 4 stars; one submission).

Conditions:
DICER1-related tumor predisposition. Also called: DICER1 syndrome; DICER1-related pleuropulmonary blastoma cancer predisposition syndrome. Identifiers: Orphanet 284343, MedGen C3839822, MONDO:0100216.

Submission:

Labcorp Genetics (formerly Invitae), Labcorp
Classification: Uncertain significance for DICER1-related tumor predisposition. Last evaluated: 2023-07-15. Review status: criteria provided, single submitter. Criteria: Invitae Variant Classification Sherloc (09022015). Collection method: clinical testing. Allele origin: germline.
Comment: Advanced modeling of protein sequence and biophysical properties (such as structural, functional, and spatial information, amino acid conservation, physicochemical variation, residue mobility, and thermodynamic stability) has been performed at Invitae for this missense variant, however the output from this modeling did not meet the statistical confidence thresholds required to predict the impact of this variant on DICER1 protein function. This variant has not been reported in the literature in individuals affected with DICER1-related conditions. In summary, the available evidence is currently insufficient to determine the role of this variant in disease. Therefore, it has been classified as a Variant of Uncertain Significance. This variant is not present in population databases (gnomAD no frequency). This sequence change replaces glutamic acid, which is acidic and polar, with glycine, which is neutral and non-polar, at codon 573 of the DICER1 protein (p.Glu573Gly).